The following is an entry in ClinVar:

NM_003104.6(SORD):c.1048T>G (p.Cys350Gly)

Gene: SORD (sorbitol dehydrogenase; plus strand). Cytogenetic location: 15q21.1.
Variant type: single nucleotide variant.
Coding change: c.1048T>G on transcript NM_003104.6 (MANE Select); coding-DNA position 1048, T replaced by G.
Protein change: p.Cys350Gly; replaces cysteine 350 with glycine.
Molecular consequence: missense variant. On other transcripts: non-coding transcript variant (1).
Genome position (GRCh38, 1-based): chr15:45,073,504, T>G. VCF-style: chr15-45073504-T-G. GRCh37 (hg19) VCF-style: chr15-45365702-T-G.
Other names: short protein forms C350G.
Identifiers: ClinVar variation 3897016 (VCV003897016.1).

ClinVar aggregate classification (germline): Uncertain significance (1 of 4 stars; one submission).

Conditions:
Neuronopathy, distal hereditary motor, autosomal recessive 8. Also called: SORBITOL DEHYDROGENASE DEFICIENCY WITH PERIPHERAL NEUROPATHY; SORBITOL DEHYDROGENASE DEFICIENCY; NEUROPATHY, DISTAL HEREDITARY MOTOR, AUTOSOMAL RECESSIVE 8. Identifiers: Orphanet 700508, MedGen C5394466, MONDO:0030055, OMIM 618912.

Submission:

Kariminejad - Najmabadi Pathology & Genetics Center
Classification: Uncertain significance for Neuronopathy, distal hereditary motor, autosomal recessive 8. Last evaluated: 2023-01-15. Review status: criteria provided, single submitter. Criteria: ACMG Guidelines, 2015. Collection method: clinical testing. Allele origin: germline. Inheritance: Autosomal recessive inheritance. Affected: yes.
Comment: PM2,PP3?